The following is an entry in ClinVar:

ClinVar aggregate classification (germline): Uncertain significance. Review status: criteria provided, multiple submitters, no conflicts (2 of 4 stars). 2 submissions from 2 submitters: Uncertain significance (2). Last evaluated 2021-07-22.

Conditions:
Inborn genetic diseases. Identifiers: MedGen C0950123, MeSH D030342.
Nephronophthisis. Also called: Juvenile Nephronophthisis. Identifiers: Orphanet 655, MedGen C0687120, MONDO:0019005, HP:0000090.

gnomAD v4.1: 2 of 1,613,818 alleles (0.00012%); highest among the groups gnomAD compares: African/African-American, 0.0027%; no homozygotes.

Submissions (2):

Labcorp Genetics (formerly Invitae), Labcorp
Classification: Uncertain significance for Nephronophthisis. Last evaluated: 2021-07-22. Review status: criteria provided, single submitter. Criteria: Invitae Variant Classification Sherloc (09022015). Collection method: clinical testing. Allele origin: germline.
Comment: This sequence change replaces arginine with glycine at codon 404 of the IQCB1 protein (p.Arg404Gly). The arginine residue is highly conserved and there is a moderate physicochemical difference between arginine and glycine. In summary, the available evidence is currently insufficient to determine the role of this variant in disease. Therefore, it has been classified as a Variant of Uncertain Significance. Algorithms developed to predict the effect of missense changes on protein structure and function are either unavailable or do not agree on the potential impact of this missense change (SIFT: "Deleterious"; PolyPhen-2: "Probably Damaging"; Align-GVGD: "Class C0"). This variant has not been reported in the literature in individuals affected with IQCB1-related conditions. This variant is not present in population databases (ExAC no frequency).

Ambry Genetics
Classification: Uncertain significance for Inborn genetic diseases. Last evaluated: 2021-06-22. Review status: criteria provided, single submitter. Criteria: Ambry Variant Classification Scheme 2023. Collection method: clinical testing. Allele origin: germline.

NM_001023570.4(IQCB1):c.1210A>G (p.Arg404Gly)

Gene: IQCB1 (IQ motif containing B1; minus strand). Cytogenetic location: 3q13.33.
Variant type: single nucleotide variant.
Coding change: c.1210A>G on transcript NM_001023570.4 (MANE Select); coding-DNA position 1210, A replaced by G.
Protein change: p.Arg404Gly; replaces arginine 404 with glycine.
Molecular consequence: missense variant. On other transcripts: non-coding transcript variant (1).
Genome position (GRCh38, 1-based): chr3:121,788,352, T>C on the plus strand (A>G on the coding strand, the complement: IQCB1 is on the minus strand). VCF-style: chr3-121788352-T-C. GRCh37 (hg19) VCF-style: chr3-121507199-T-C.
Other names: c.1210A>G (NM_001023570.2); c.811A>G, p.Arg271Gly (NM_001023571.4); c.1210A>G, p.Arg404Gly (NM_001319107.2); short protein forms R271G, R404G.
Identifiers: ClinVar variation 1449253 (VCV001449253.9), dbSNP rs1354344876, ClinGen allele CA354115609.